The following is an entry in ClinVar:

ClinVar aggregate classification (germline): Benign/Likely benign. Review status: criteria provided, multiple submitters, no conflicts (2 of 4 stars). 7 submissions from 7 submitters: Benign (3); Likely benign (3). 1 of the submissions does not count toward it. Last evaluated 2026-06-24.

Conditions:
Retinoblastoma (RB1). Also called: RETINOBLASTOMA, SOMATIC. Identifiers: Orphanet 790, MedGen C0035335, MeSH D012175, MONDO:0008380, OMIM 180200, HP:0009919. Disease mechanism: loss of function. Inheritance: Both sporadic and heritable forms are tested..
RB1-related disorder. Also called: RB1-related condition.
Hereditary cancer-predisposing syndrome. Also called: Hereditary neoplastic syndrome; Neoplastic Syndromes, Hereditary; Hereditary Cancer Syndrome; Tumor predisposition. Identifiers: Orphanet 140162, MedGen C0027672, MeSH D009386, MONDO:0015356.

Allele frequency attached by ClinVar (database versions not stated): TOPMed 0.00001; gnomAD 0.00002; ExAC 0.00009.
gnomAD v4.1: 67 of 1,603,188 alleles (0.0042%); highest among the groups gnomAD compares: Non-Finnish European, 0.0053%; no homozygotes.

Submissions (7):

Myriad Genetics, Inc.
Classification: Benign for Retinoblastoma. Last evaluated: 2026-06-24. Review status: criteria provided, single submitter. Criteria: Myriad Autosomal Dominant, Autosomal Recessive and X-Linked Classification Criteria (2023). Collection method: clinical testing. Allele origin: unknown.
Comment: This variant is considered benign. This variant is a silent/synonymous amino acid change and it is not expected to impact splicing.

Labcorp Genetics (formerly Invitae), Labcorp
Classification: Likely benign for Retinoblastoma. Last evaluated: 2026-01-20. Review status: criteria provided, single submitter. Criteria: Invitae Variant Classification Sherloc (09022015). Collection method: clinical testing. Allele origin: germline.

All of Us Research Program, National Institutes of Health
Classification: Benign for Retinoblastoma. Last evaluated: 2023-11-02. Review status: criteria provided, single submitter. Criteria: ACMG Guidelines, 2015. Collection method: clinical testing. Allele origin: germline. Inheritance: Autosomal dominant inheritance. Observed: 11 variant alleles, 11 heterozygotes.
Comment: This study involves interpretation of variants in research participants for the purpose of population health screening. Participant phenotype was not available at the time of variant classification. Additional details can be found in publication PMID: 35346344, PMCID: PMC8962531

Color Diagnostics, LLC DBA Color Health
Classification: Benign for Retinoblastoma. Last evaluated: 2022-04-29. Review status: criteria provided, single submitter. Criteria: ACMG Guidelines, 2015. Collection method: clinical testing. Allele origin: germline.

Sema4
Classification: Likely benign for Hereditary cancer-predisposing syndrome. Last evaluated: 2020-10-19. Review status: criteria provided, single submitter. Criteria: Sema4 Curation Guidelines. Collection method: curation. Allele origin: germline.

Ambry Genetics
Classification: Likely benign for Hereditary cancer-predisposing syndrome. Last evaluated: 2017-07-27. Review status: criteria provided, single submitter. Criteria: Ambry Variant Classification Scheme 2023. Collection method: clinical testing. Allele origin: germline.

PreventionGenetics, part of Exact Sciences
Classification: Likely benign for RB1-related condition. Last evaluated: 2021-12-31. Review status: no assertion criteria provided. Collection method: clinical testing. Allele origin: germline. Not counted in ClinVar's aggregate classification.
Comment: This variant is classified as likely benign based on ACMG/AMP sequence variant interpretation guidelines (Richards et al. 2015 PMID: 25741868, with internal and published modifications).

NM_000321.3(RB1):c.1464G>A (p.Ala488=)

Gene: RB1 (RB transcriptional corepressor 1; plus strand). Cytogenetic location: 13q14.2.
Variant type: single nucleotide variant.
Coding change: c.1464G>A on transcript NM_000321.3 (MANE Select); coding-DNA position 1464, G replaced by A.
Protein change: p.Ala488=; no amino-acid change (alanine 488 retained).
Molecular consequence: synonymous variant.
Genome position (GRCh38, 1-based): chr13:48,380,207, G>A. VCF-style: chr13-48380207-G-A. GRCh37 (hg19) VCF-style: chr13-48954343-G-A.
Identifiers: ClinVar variation 486284 (VCV000486284.19), dbSNP rs753520981, ClinGen allele CA028848.